The following is an entry in ClinVar:

NM_001244008.2(KIF1A):c.3778G>A (p.Gly1260Arg)

Genes: KIF1A (kinesin family member 1A; minus strand), LOC126806583 (P300/CBP strongly-dependent group 1 enhancer GRCh37_chr2:241678910-241680109; plus strand). Cytogenetic location: 2q37.3.
Variant type: single nucleotide variant.
Coding change: c.3778G>A on transcript NM_001244008.2 (MANE Select); coding-DNA position 3778, G replaced by A.
Protein change: p.Gly1260Arg; replaces glycine 1260 with arginine.
Molecular consequence: missense variant.
Genome position (GRCh38, 1-based): chr2:240,740,336, C>T on the plus strand (G>A on the coding strand, the complement: KIF1A is on the minus strand). VCF-style: chr2-240740336-C-T. GRCh37 (hg19) VCF-style: chr2-241679753-C-T.
Other names: c.3778G>A (NM_001244008.1); c.3502G>A, p.Gly1168Arg (NM_001320705.2, NM_001330289.2, NM_001379638.1); c.3577G>A, p.Gly1193Arg (NM_001330290.2, NM_001379634.1, NM_001379635.1 and 1 more transcripts); c.3853G>A, p.Gly1285Arg (NM_001379631.1); c.3727G>A, p.Gly1243Arg (NM_001379632.1); c.3751G>A, p.Gly1251Arg (NM_001379633.1, NM_001379642.1, NM_001379645.1); c.3475G>A, p.Gly1159Arg (NM_001379636.1, NM_001379639.1, NM_001379641.1 and 5 more transcripts); c.3550G>A, p.Gly1184Arg (NM_001379637.1, NM_001379648.1); and 1 more; short protein forms G1184R, G1193R, G1243R, G1285R, G1159R, G1168R, G1251R, G1260R.
Identifiers: ClinVar variation 1358739 (VCV001358739.8), dbSNP rs373019389, ClinGen allele CA2207647.
Genomic context (GRCh38, chr2:240,740,336, plus strand): 5'-TAGGGGCAAGAGGGGCTCACACCTGGTGGAGGAGGAAGGTCCCCATGCATGGCATGCCCC[C>T]ACGGTGGTCCACCACGGCCGGGATGTAACTGGAAGAGAGAGACACATGTGAGGAGCGGCC-3'
Protein context (NP_001230937.1, residues 1250-1270): DYIPAVVDHR[Gly1260Arg]GMPCMGTFLL

ClinVar aggregate classification (germline): Conflicting classifications of pathogenicity. Review status: criteria provided, conflicting classifications (1 of 4 stars). 3 submissions from 3 submitters: Uncertain significance (2); Likely benign (1). Last evaluated 2026-02-16.

Conditions:
KIF1A-related disorder. Also called: KIF1A-related disorders; KIF1A-related condition.
Hereditary spastic paraplegia 30. Identifiers: Orphanet 101010, MedGen C5235139, MONDO:0012476.
Neuropathy, hereditary sensory, type 2C. Also called: Hereditary sensory and autonomic neuropathy type IIC; KIF1A-Related HSAN2 (HSAN2C). Identifiers: Orphanet 970, MedGen C3280168, MONDO:0013634, OMIM 614213.
Intellectual disability, autosomal dominant 9 (NESCAVS). Also called: NESCAV SYNDROME; KIF1A-Related Neurodevelopmental Disorder. Identifiers: Orphanet 662367, MedGen C5393830, MONDO:0013656, OMIM 614255.

Allele frequency attached by ClinVar (database versions not stated): ExAC 0.00003; gnomAD exomes 0.00004; TOPMed 0.00004; gnomAD 0.00005; ESP Exome Variant Server 0.00008.

Submissions (3):

PreventionGenetics, part of Exact Sciences
Classification: Uncertain significance for KIF1A-related condition. Last evaluated: 2026-02-16. Review status: criteria provided, single submitter. Criteria: ACMG Guidelines, 2015. Collection method: clinical testing. Allele origin: germline.
Comment: The KIF1A c.3778G>A variant is predicted to result in the amino acid substitution p.Gly1260Arg. To our knowledge, this variant has not been reported in the literature. This variant is reported in 0.0070% of alleles in individuals of European (non-Finnish) descent in gnomAD. At this time, the clinical significance of this variant is uncertain due to the absence of conclusive functional and genetic evidence.

Labcorp Genetics (formerly Invitae), Labcorp
Classification: Likely benign for Hereditary spastic paraplegia 30; Neuropathy, hereditary sensory, type 2C; Intellectual disability, autosomal dominant 9. Last evaluated: 2025-05-25. Review status: criteria provided, single submitter. Criteria: Invitae Variant Classification Sherloc (09022015). Collection method: clinical testing. Allele origin: germline.

Blueprint Genetics
Classification: Uncertain significance. Last evaluated: 2022-10-18. Review status: criteria provided, single submitter. Criteria: ACMG Guidelines, 2015. Collection method: clinical testing. Allele origin: germline.